The following is an entry in ClinVar:

NM_017636.4(TRPM4):c.434C>T (p.Ala145Val)

Gene: TRPM4 (transient receptor potential cation channel subfamily M member 4; plus strand). Cytogenetic location: 19q13.33.
Variant type: single nucleotide variant.
Coding change: c.434C>T on transcript NM_017636.4 (MANE Select); coding-DNA position 434, C replaced by T.
Protein change: p.Ala145Val; replaces alanine 145 with valine.
Molecular consequence: missense variant. On other transcripts: intron variant (4).
Genome position (GRCh38, 1-based): chr19:49,168,083, C>T. VCF-style: chr19-49168083-C-T. GRCh37 (hg19) VCF-style: chr19-49671340-C-T.
Other names: c.434C>T, p.Ala145Val (NM_001195227.2); c.-1105-177C>T (NM_001321282.2); c.268-470C>T (NM_001321281.2); c.-74-177C>T (NM_001321283.2); c.-237-470C>T (NM_001321285.2); short protein forms A145V.
Identifiers: ClinVar variation 1515236 (VCV001515236.12), dbSNP rs767015629, ClinGen allele CA9568816.
Genomic context (GRCh38, chr19:49,168,083, plus strand): 5'-CGGGGGGCCCCGTCCTCCAGACCTGGCTGCAGGACCTGCTGCGTCGTGGGCTGGTGCGGG[C>T]TGCCCAGAGCACAGGTGACCGAGGGTGGGTGGGGGCTGTCTCCTGGGCCTCGGCCTGCCT-3'
Protein context (NP_060106.2, residues 135-155): QDLLRRGLVR[Ala145Val]AQSTGAWIVT

ClinVar aggregate classification (germline): Uncertain significance. Review status: criteria provided, multiple submitters, no conflicts (2 of 4 stars). 4 submissions from 4 submitters: Uncertain significance (4). Last evaluated 2026-01-27.

Conditions:
Progressive familial heart block type IB (PFHB1B). Identifiers: Orphanet 871, MedGen C1970298, MONDO:0011474, OMIM 604559.
Erythrokeratodermia variabilis et progressiva 6. Identifiers: MedGen C5193144, MONDO:0032801, OMIM 618531.
Cardiovascular phenotype. Identifiers: MedGen CN230736.

Allele frequency attached by ClinVar (database versions not stated): gnomAD exomes below 0.00001 and 0.00001; ExAC 0.00001; gnomAD 0.00001; TOPMed 0.00002.
gnomAD v4.1: 15 of 1,605,702 alleles (0.00093%); highest among the groups gnomAD compares: Non-Finnish European, 0.0013%; no homozygotes.

Submissions (4):

Labcorp Genetics (formerly Invitae), Labcorp
Classification: Uncertain significance for Progressive familial heart block type IB. Last evaluated: 2026-01-27. Review status: criteria provided, single submitter. Criteria: Invitae Variant Classification Sherloc (09022015). Collection method: clinical testing. Allele origin: germline.
Comment: This sequence change replaces alanine, which is neutral and non-polar, with valine, which is neutral and non-polar, at codon 145 of the TRPM4 protein (p.Ala145Val). The frequency data for this variant in the population databases is considered unreliable, as metrics indicate poor data quality at this position in the gnomAD database. This variant has not been reported in the literature in individuals affected with TRPM4-related conditions. ClinVar contains an entry for this variant (Variation ID: 1515236). An algorithm developed to predict the effect of missense changes on protein structure and function (PolyPhen-2) suggests that this variant is likely to be disruptive. In summary, the available evidence is currently insufficient to determine the role of this variant in disease. Therefore, it has been classified as a Variant of Uncertain Significance.

Ambry Genetics
Classification: Uncertain significance for Cardiovascular phenotype. Last evaluated: 2023-06-28. Review status: criteria provided, single submitter. Criteria: Ambry Variant Classification Scheme 2023. Collection method: clinical testing. Allele origin: germline.

GeneDx
Classification: Uncertain significance. Last evaluated: 2022-04-05. Review status: criteria provided, single submitter. Criteria: GeneDx Variant Classification Process June 2021. Collection method: clinical testing. Allele origin: germline. Affected: yes.
Comment: Has not been previously published as pathogenic or benign to our knowledge; Not observed at significant frequency in large population cohorts (gnomAD); In silico analysis supports that this missense variant does not alter protein structure/function

Fulgent Genetics
Classification: Uncertain significance for Progressive familial heart block type IB; Erythrokeratodermia variabilis et progressiva 6. Last evaluated: 2021-08-27. Review status: criteria provided, single submitter. Criteria: ACMG Guidelines, 2015. Collection method: clinical testing. Allele origin: unknown.